The following is an entry in ClinVar:

ClinVar aggregate classification (germline): Pathogenic (1 of 4 stars; one submission).

Conditions:
Intellectual developmental disorder, autosomal recessive 65. Also called: MENTAL RETARDATION, AUTOSOMAL RECESSIVE 65; Intellectual disability, autosomal recessive 65. Identifiers: MedGen C4748219, MONDO:0020850, OMIM 618109.

gnomAD v4.1: 10 of 1,610,852 alleles (0.00062%); highest among the groups gnomAD compares: Non-Finnish European, 0.00076%; no homozygotes.

Submission:

Women's Health and Genetics/Laboratory Corporation of America, LabCorp
Classification: Pathogenic for Intellectual developmental disorder, autosomal recessive 65. Last evaluated: 2025-12-10. Review status: criteria provided, single submitter. Criteria: LabCorp Variant Classification Summary - May 2015. Collection method: clinical testing. Allele origin: germline.
Comment: Variant summary: KDM5B c.4198C>T (p.Arg1400X) results in a premature termination codon, predicted to cause a truncation of the encoded protein or absence of the protein due to nonsense mediated decay, which are commonly known mechanisms for disease. The variant allele was found at a frequency of 4e-06 in 248680 control chromosomes (gnomAD). c.4198C>T has been observed in two individuals affected with autism spectrum disorder (Zhou_2022, Fu_2022). To our knowledge, no experimental evidence demonstrating an impact on protein function has been reported. The following publications have been ascertained in the context of this evaluation (PMID: 35982160, 36350923, 35982159). No submitters have cited clinical-significance assessments for this variant to ClinVar. Based on the evidence outlined above, the variant was classified as pathogenic.

Literature cited by the submitters: PubMed 35982160; PubMed 35982159; PubMed 36350923.

NM_006618.5(KDM5B):c.4198C>T (p.Arg1400Ter)

Gene: KDM5B (lysine demethylase 5B; minus strand). Cytogenetic location: 1q32.1.
Variant type: single nucleotide variant.
Coding change: c.4198C>T on transcript NM_006618.5 (MANE Select); coding-DNA position 4198, C replaced by T.
Protein change: p.Arg1400Ter; replaces arginine 1400 with a stop codon.
Molecular consequence: nonsense.
Genome position (GRCh38, 1-based): chr1:202,730,006, G>A on the plus strand (C>T on the coding strand, the complement: KDM5B is on the minus strand). VCF-style: chr1-202730006-G-A. GRCh37 (hg19) VCF-style: chr1-202699134-G-A.
Other names: c.4306C>T, p.Arg1436Ter (NM_001314042.2); c.4063C>T, p.Arg1355Ter (NM_001347591.2); c.4183C>T, p.Arg1395Ter (NM_001399817.1); short protein forms R1355*, R1395*, R1400*, R1436*.
Identifiers: ClinVar variation 4688410 (VCV004688410.1).